The following is an entry in ClinVar:

ClinVar aggregate classification (germline): Pathogenic (1 of 4 stars; one submission).

Submission:

Quest Diagnostics Nichols Institute San Juan Capistrano
Classification: Pathogenic. Last evaluated: 2021-12-10. Review status: criteria provided, single submitter. Criteria: ACMG/ClinGen CNV Guidelines, 2019. Collection method: clinical testing. Allele origin: unknown.
Comment: The pathogenic terminal deletion of 10q26.2q26.3 is associated with chromosome 10q26 deletion syndrome (OMIM 609625). The common clinical features include developmental delays, distinctive facial dysmorphism, and cardiac and urogenital anomalies (Lin S et al., Mol Med Rep. 2016 Dec;14(6):5134-5140., PMID: 27779662; Yatsenko et al., Clin Genet. 2009 Jul;76(1):54-62. PMID: 19558528). Of note, there are cases in the literature of similar deletions in patients with mild to moderate phenotypic presentation (Iourov et al., Case Rep Genet. 2014;2014:505832. PMID: 24649379; Tanteles et al., Case Rep Genet. 2015;2015:242891. PMID: 26294985).

GRCh37/hg19 10q26.2-26.3(chr10:129381095-135427143)x1

Genes: ADAM8 (ADAM metallopeptidase domain 8; minus strand), ADGRA1 (adhesion G protein-coupled receptor A1; plus strand), BNIP3 (BCL2 interacting protein 3; minus strand), CALY (calcyon neuron specific vesicular protein; minus strand), CFAP46 (cilia and flagella associated protein 46; minus strand) and 32 more. Cytogenetic location: 10q26.2-26.3.
Variant type: copy number loss.
Change: copy number 1 (one copy instead of two) of chr10:129,381,095-135,427,143 (6.05 Mb, GRCh37 coordinates, 1-based), cytogenetic band 10q26.2-26.3.
Identifiers: ClinVar variation 815387 (VCV000815387.2).